The following is an entry in ClinVar:

ClinVar aggregate classification (germline): Uncertain significance (1 of 4 stars; one submission).

Allele frequency attached by ClinVar (database versions not stated): TOPMed below 0.00001; gnomAD exomes 0.00001; ExAC 0.00004.

Submission:

Ambry Genetics
Classification: Uncertain significance. Last evaluated: 2024-11-23. Review status: criteria provided, single submitter. Criteria: Ambry Variant Classification Scheme 2023. Collection method: clinical testing. Allele origin: germline.
Comment: The p.F558V variant (also known as c.1672T>G) is located in coding exon 12 of the RINT1 gene. The phenylalanine at codon 558 is replaced by valine, an amino acid with highly similar properties. This change occurs in the first base pair of coding exon 12. This amino acid position is conserved. In addition, the in silico prediction for this alteration is inconclusive. Since supporting evidence is limited at this time, the clinical significance of this alteration remains unclear.

NM_021930.6(RINT1):c.1672T>G (p.Phe558Val)

Gene: RINT1 (RAD50 interactor 1; plus strand). Cytogenetic location: 7q22.3.
Variant type: single nucleotide variant.
Coding change: c.1672T>G on transcript NM_021930.6 (MANE Select); coding-DNA position 1672, T replaced by G.
Protein change: p.Phe558Val; replaces phenylalanine 558 with valine.
Molecular consequence: missense variant. On other transcripts: non-coding transcript variant (1).
Genome position (GRCh38, 1-based): chr7:105,563,733, T>G. VCF-style: chr7-105563733-T-G. GRCh37 (hg19) VCF-style: chr7-105204180-T-G.
Other names: c.1438T>G, p.Phe480Val (NM_001346599.2); c.649T>G, p.Phe217Val (NM_001346600.2, NM_001346603.2); c.748T>G, p.Phe250Val (NM_001346601.2); short protein forms F480V, F217V, F558V, F250V.
Identifiers: ClinVar variation 1777735 (VCV001777735.4), dbSNP rs747415572, ClinGen allele CA4426754.